The following is an entry in ClinVar:

ClinVar aggregate classification (germline): Uncertain significance (1 of 4 stars; one submission).

Conditions:
Cardiovascular phenotype. Identifiers: MedGen CN230736.

Submission:

Ambry Genetics
Classification: Uncertain significance for Cardiovascular phenotype. Last evaluated: 2021-12-23. Review status: criteria provided, single submitter. Criteria: Ambry Variant Classification Scheme 2023. Collection method: clinical testing. Allele origin: germline.
Comment: The p.L128Q variant (also known as c.383T>A), located in coding exon 4 of the SOS2 gene, results from a T to A substitution at nucleotide position 383. The leucine at codon 128 is replaced by glutamine, an amino acid with dissimilar properties. This amino acid position is conserved. In addition, this alteration is predicted to be deleterious by in silico analysis. Since supporting evidence is limited at this time, the clinical significance of this alteration remains unclear.

NM_006939.4(SOS2):c.383T>A (p.Leu128Gln)

Gene: SOS2 (SOS Ras/Rho guanine nucleotide exchange factor 2; minus strand). Cytogenetic location: 14q21.3.
Variant type: single nucleotide variant.
Coding change: c.383T>A on transcript NM_006939.4 (MANE Select); coding-DNA position 383, T replaced by A.
Protein change: p.Leu128Gln; replaces leucine 128 with glutamine.
Molecular consequence: missense variant.
Genome position (GRCh38, 1-based): chr14:50,199,818, A>T on the plus strand (T>A on the coding strand, the complement: SOS2 is on the minus strand). VCF-style: chr14-50199818-A-T. GRCh37 (hg19) VCF-style: chr14-50666536-A-T.
Other names: c.383T>A, p.Leu128Gln (NM_001411020.1); short protein forms L128Q.
Identifiers: ClinVar variation 1735426 (VCV001735426.2), dbSNP rs2503186072, ClinGen allele CA389649720.